The following is an entry in ClinVar:

NM_004525.3(LRP2):c.3889G>T (p.Gly1297Trp)

Gene: LRP2 (LDL receptor related protein 2; minus strand). Cytogenetic location: 2q31.1.
Variant type: single nucleotide variant.
Coding change: c.3889G>T on transcript NM_004525.3 (MANE Select); coding-DNA position 3889, G replaced by T.
Protein change: p.Gly1297Trp; replaces glycine 1297 with tryptophan.
Molecular consequence: missense variant.
Genome position (GRCh38, 1-based): chr2:169,241,144, C>A on the plus strand (G>T on the coding strand, the complement: LRP2 is on the minus strand). VCF-style: chr2-169241144-C-A. GRCh37 (hg19) VCF-style: chr2-170097654-C-A.
Other names: short protein forms G1297W.
Identifiers: ClinVar variation 1713129 (VCV001713129.9), dbSNP rs771733361, ClinGen allele CA1954921.
Genomic context (GRCh38, chr2:169,241,144, plus strand): 5'-ATTGCCAACTAGGACAGCGAAAGGGCTGAGTAGGGCAGTCCTTCTCATCACTCATATCCC[C>A]GCAGTCATTGTCCCGATCACAGAGCCATGCCCTGTGGATGCAGTTTCCGTTGTCACAGTG-3'
Protein context (NP_004516.2, residues 1287-1307): AWLCDRDNDC[Gly1297Trp]DMSDEKDCPT

ClinVar aggregate classification (germline): Conflicting classifications of pathogenicity. Review status: criteria provided, conflicting classifications (1 of 4 stars). 4 submissions from 4 submitters: Likely pathogenic (1); Uncertain significance (3). Last evaluated 2025-11-18.

Conditions:
Non-syndromic syndactyly. Identifiers: Orphanet 90025, MedGen C5681365, MONDO:0019530.
Donnai-Barrow syndrome. Also called: DBS/FOAR SYNDROME; FACIOOCULOACOUSTICORENAL SYNDROME. Identifiers: Orphanet 2143, MedGen C1857277, MONDO:0009104, OMIM 222448.

Allele frequency attached by ClinVar (database versions not stated): TOPMed below 0.00001; ExAC 0.00001.
gnomAD v4.1: 1 of 1,614,010 alleles (0.000062%); highest among the groups gnomAD compares: Non-Finnish European, 0.000085%; no homozygotes.

Submissions (4):

Women's Health and Genetics/Laboratory Corporation of America, LabCorp
Classification: Uncertain significance. Last evaluated: 2025-11-18. Review status: criteria provided, single submitter. Criteria: LabCorp Variant Classification Summary - May 2015. Collection method: clinical testing. Allele origin: germline.
Comment: Variant summary: LRP2 c.3889G>T (p.Gly1297Trp) results in a non-conservative amino acid change in the encoded protein sequence. Algorithms developed to predict the effect of missense changes on protein structure and function are either unavailable or do not agree on the potential impact of this missense change. The variant allele was found at a frequency of 4e-06 in 251192 control chromosomes. The available data on variant occurrences in the general population are insufficient to allow any conclusion about variant significance. To our knowledge, no occurrence of c.3889G>T in individuals affected with LRP2-related conditions and no experimental evidence demonstrating its impact on protein function have been reported. ClinVar contains an entry for this variant (Variation ID: 1713129). Based on the evidence outlined above, the variant was classified as uncertain significance.

Labcorp Genetics (formerly Invitae), Labcorp
Classification: Uncertain significance. Last evaluated: 2023-10-13. Review status: criteria provided, single submitter. Criteria: Invitae Variant Classification Sherloc (09022015). Collection method: clinical testing. Allele origin: germline.
Comment: This sequence change replaces glycine, which is neutral and non-polar, with tryptophan, which is neutral and slightly polar, at codon 1297 of the LRP2 protein (p.Gly1297Trp). This variant is present in population databases (rs771733361, gnomAD 0.006%). This variant has not been reported in the literature in individuals affected with LRP2-related conditions. ClinVar contains an entry for this variant (Variation ID: 1713129). Advanced modeling of protein sequence and biophysical properties (such as structural, functional, and spatial information, amino acid conservation, physicochemical variation, residue mobility, and thermodynamic stability) performed at Invitae indicates that this missense variant is not expected to disrupt LRP2 protein function. In summary, the available evidence is currently insufficient to determine the role of this variant in disease. Therefore, it has been classified as a Variant of Uncertain Significance.

Institute of Experimental Medicine, Department of Genetics, Istanbul University
Classification: Likely pathogenic for Non-syndromic syndactyly. Last evaluated: 2022-10-20. Review status: criteria provided, single submitter. Criteria: ACMG Guidelines, 2015. Collection method: research. Allele origin: inherited. Affected: yes.

Department of Pathology and Laboratory Medicine, Sinai Health System
Classification: Uncertain significance for Donnai-Barrow syndrome. Last evaluated: 2021-07-30. Review status: criteria provided, single submitter. Criteria: ACMG Guidelines, 2015. Collection method: research. Allele origin: germline.